The following is an entry in ClinVar:

ClinVar aggregate classification (germline): Uncertain significance (1 of 4 stars; one submission).

Conditions:
Dystonia 16 (DYT16). Also called: DYT-PRKRA. Identifiers: Orphanet 210571, MedGen C2677567, MONDO:0012789, OMIM 612067.

Submission:

Labcorp Genetics (formerly Invitae), Labcorp
Classification: Uncertain significance for Dystonia 16. Last evaluated: 2022-06-20. Review status: criteria provided, single submitter. Criteria: Invitae Variant Classification Sherloc (09022015). Collection method: clinical testing. Allele origin: germline.
Comment: In summary, the available evidence is currently insufficient to determine the role of this variant in disease. Therefore, it has been classified as a Variant of Uncertain Significance. This variant has not been reported in the literature in individuals affected with PRKRA-related conditions. A copy number gain of the genomic region encompassing the full coding sequence of the PRKRA gene has been identified. The boundaries of this event are unknown as they extend beyond the assayed region for this gene and therefore may encompass additional genes. As the precise location of this event is unknown, it may be in tandem or it may be located elsewhere in the genome.

NC_000002.11:g.(?_179296804)_(179456251_?)dup

Genes: CHROMR (cholesterol induced regulator of metabolism RNA; plus strand), FKBP7 (FKBP prolyl isomerase 7; minus strand), PJVK (pejvakin; plus strand), PLEKHA3 (pleckstrin homology domain containing A3; plus strand), PRKRA (protein activator of interferon induced protein kinase EIF2AK2; minus strand) and 14 more. Cytogenetic location: 2q31.2.
Variant type: Duplication.
Identifiers: ClinVar variation 583796 (VCV000583796.3).